The following is an entry in ClinVar:

ClinVar aggregate classification (germline): Likely pathogenic (1 of 4 stars; one submission).

Conditions:
Charcot-Marie-Tooth disease X-linked recessive 4 (CMTX4). Also called: CHARCOT-MARIE-TOOTH DISEASE, X-LINKED RECESSIVE, 4, WITH OR WITHOUT CEREBELLAR ATAXIA; CHARCOT-MARIE-TOOTH DISEASE WITH DEAFNESS AND MENTAL RETARDATION; Cowchock syndrome. Identifiers: Orphanet 101078, MedGen C0795910, MONDO:0010689, OMIM 310490.

Submission:

Laboratório de Neurologia Aplicada e Experimental, Faculdade de Medicina de Ribeirao Preto – Universidade de Sao Paulo
Classification: Likely pathogenic for Charcot-Marie-Tooth disease X-linked recessive 4. Last evaluated: 2021-07-20. Review status: criteria provided, single submitter. Criteria: ACMG Guidelines, 2015. Collection method: research. Allele origin: germline. Inheritance: X-linked recessive inheritance. Affected: yes. Observed: 3 variant alleles, 1 heterozygote, 2 hemizygotes.
Comment: The p.Ala259Gly variant in the AIFM1 gene has not been described in the literature to our knowledge. The AIFM1 gene (HGNC:8768; OMIM:300169) is located on the X chromosome, and variants in this gene are responsible for several phenotypes, including CMTX4 (or Cowchock syndrome; OMIM: 310490), an axonal form of CMT with X-linked recessive inheritance. This variant is not present in population databases (GnomAD and ABraOM). This variant replaces alanine with glycine at codon 259 of the AIFM1 protein, which is highly conserved across different species. This variant is in an important functional domain of the protein (FAD-dependent oxidoreductase). Besides that, this variant segregates with family phenotype in an X-linked recessive inheritance. In summary, the p.Arg232Cys meets our criteria to be classified as likely pathogenic.

NM_004208.4(AIFM1):c.776C>G (p.Ala259Gly)

Genes: RAB33A (RAB33A, member RAS oncogene family; plus strand), AIFM1 (apoptosis inducing factor mitochondria associated 1; minus strand). Cytogenetic location: Xq26.1.
Variant type: single nucleotide variant.
Coding change: c.776C>G on transcript NM_004208.4 (MANE Select); coding-DNA position 776, C replaced by G.
Protein change: p.Ala259Gly; replaces alanine 259 with glycine.
Molecular consequence: missense variant. On other transcripts: non-coding transcript variant (1).
Genome position (GRCh38, 1-based): chrX:130,140,538, G>C on the plus strand (C>G on the coding strand, the complement: AIFM1 is on the minus strand). VCF-style: chrX-130140538-G-C. GRCh37 (hg19) VCF-style: chrX-129274513-G-C.
Other names: chrX-130140538-G-C; p.Ala255Gly; c.776C>G, p.Ala259Gly (NM_001130847.4); c.764C>G, p.Ala255Gly (NM_145812.3); short protein forms A255G, A259G.
Identifiers: ClinVar variation 1299364 (VCV001299364.2), dbSNP rs2124656989, ClinGen allele CA414582932.